The following is an entry in ClinVar:

ClinVar aggregate classification (germline): Likely benign. Review status: criteria provided, multiple submitters, no conflicts (2 of 4 stars). 3 submissions from 3 submitters: Likely benign (2). 1 of the submissions does not count toward it. Last evaluated 2026-01-19.

Conditions:
Dyskeratosis congenita. Identifiers: Orphanet 1775, MedGen C0265965, MONDO:0015780.
DKC1-related disorder. Also called: DKC1-related condition. Identifiers: MedGen CN294808, MONDO:0100152.

Allele frequency attached by ClinVar (database versions not stated): gnomAD 0.00001 and 0.00003; TOPMed 0.00003; gnomAD exomes 0.00009 and 0.00010; ExAC 0.00015.
gnomAD v4.1: 99 of 1,190,253 alleles (0.0083%); highest among the groups gnomAD compares: South Asian, 0.11%; no homozygotes.

Submissions (3):

Labcorp Genetics (formerly Invitae), Labcorp
Classification: Likely benign for Dyskeratosis congenita. Last evaluated: 2026-01-19. Review status: criteria provided, single submitter. Criteria: Invitae Variant Classification Sherloc (09022015). Collection method: clinical testing. Allele origin: germline.

Blueprint Genetics
Classification: Likely benign. Last evaluated: 2024-03-22. Review status: criteria provided, single submitter. Criteria: ACMG Guidelines, 2015. Collection method: clinical testing. Allele origin: germline.

PreventionGenetics, part of Exact Sciences
Classification: Likely benign for DKC1-related condition. Last evaluated: 2024-08-12. Review status: no assertion criteria provided. Collection method: clinical testing. Allele origin: germline. Not counted in ClinVar's aggregate classification.
Comment: This variant is classified as likely benign based on ACMG/AMP sequence variant interpretation guidelines (Richards et al. 2015 PMID: 25741868, with internal and published modifications).

NM_001363.5(DKC1):c.262A>C (p.Arg88=)

Gene: DKC1 (dyskerin pseudouridine synthase 1; plus strand). Cytogenetic location: Xq28.
Variant type: single nucleotide variant.
Coding change: c.262A>C on transcript NM_001363.5 (MANE Select); coding-DNA position 262, A replaced by C.
Protein change: p.Arg88=; no amino-acid change (arginine 88 retained).
Molecular consequence: synonymous variant. On other transcripts: non-coding transcript variant (3).
Genome position (GRCh38, 1-based): chrX:154,765,997, A>C. VCF-style: chrX-154765997-A-C. GRCh37 (hg19) VCF-style: chrX-153994272-A-C.
Other names: c.262A>C, p.Arg88= (NM_001142463.3, NM_001288747.2); c.262A>C (NM_001363.4).
Identifiers: ClinVar variation 1097268 (VCV001097268.11), dbSNP rs782317228, ClinGen allele CA10566993.
Genomic context (GRCh38, chrX:154,765,997, plus strand): 5'-CACTATACACCTCTTGCATGTGGTTCAAATCCTCTGAAGAGAGAGATTGGGGACTATATC[A>C]GGTAAGTGTTGGGAGGAGGCACTGTGCAAACTTACTTTCTTTTGAAAATGCTTTCACATC-3'
Protein context (NP_001354.1, residues 78-98): PLKREIGDYI[Arg88=]TGFINLDKPS